The following is an entry in ClinVar:

NM_001379610.1(SPINK1):c.93_101del (p.Lys31_Tyr33del)

Gene: SPINK1 (serine peptidase inhibitor Kazal type 1; minus strand). Cytogenetic location: 5q32.
Variant type: Deletion.
Coding change: c.93_101del on transcript NM_001379610.1 (MANE Select); coding-DNA positions 93 to 101, 9 bases deleted (ATGTTACAA; older notation c.93_101delATGTTACAA).
Protein change: p.Lys31_Tyr33del.
Molecular consequence: inframe deletion.
Genome position (GRCh38, 1-based): chr5:147,828,115-147,828,123, TTGTAACAT deleted on the plus strand (ATGTTACAA on the coding strand, the reverse complement: SPINK1 is on the minus strand); deleting any 9 consecutive bases within chr5:147,828,115-147,828,126 gives the same sequence; the c. name uses the placement nearest the transcript's 3' end. VCF-style (leftmost placement, unchanged base first): chr5-147828114-ATTGTAACAT-A. GRCh37 (hg19) VCF-style: chr5-147207677-ATTGTAACAT-A.
Other names: c.93_101del, p.Lys31_Tyr33del (NM_001354966.2, NM_003122.5).
Identifiers: ClinVar variation 1321393 (VCV001321393.3), dbSNP rs767903021, ClinGen allele CA3494793.

ClinVar aggregate classification (germline): Conflicting classifications of pathogenicity. Review status: criteria provided, conflicting classifications (1 of 4 stars). 2 submissions from 2 submitters: Likely pathogenic (1); Uncertain significance (1). Last evaluated 2025-02-10.

Conditions:
Hereditary pancreatitis (PCTT). Also called: Hereditary chronic pancreatitis; PRSS1-Related Hereditary Pancreatitis. Identifiers: Orphanet 676, MedGen C0238339, MONDO:0008185, OMIM 167800.

Submissions (2):

Labcorp Genetics (formerly Invitae), Labcorp
Classification: Uncertain significance for Hereditary pancreatitis. Last evaluated: 2025-02-10. Review status: criteria provided, single submitter. Criteria: Invitae Variant Classification Sherloc (09022015). Collection method: clinical testing. Allele origin: germline.
Comment: This variant, c.93_101del, results in the deletion of 3 amino acid(s) of the SPINK1 protein (p.Lys31_Tyr33del), but otherwise preserves the integrity of the reading frame. This variant is present in population databases (rs767903021, gnomAD 0.003%). This variant has been observed in individual(s) with idiopathic chronic pancreatitis (PMID: 28546060, 30420730, 35171259). ClinVar contains an entry for this variant (Variation ID: 1321393). In summary, the available evidence is currently insufficient to determine the role of this variant in disease. Therefore, it has been classified as a Variant of Uncertain Significance.

Women's Health and Genetics/Laboratory Corporation of America, LabCorp
Classification: Likely pathogenic for Hereditary pancreatitis. Last evaluated: 2021-10-19. Review status: criteria provided, single submitter. Criteria: LabCorp Variant Classification Summary - May 2015. Collection method: clinical testing. Allele origin: germline.
Comment: Variant summary: SPINK1 c.93_101delATGTTACAA (p.Lys31_Tyr33del) results in an in-frame deletion that is predicted to remove three amino acids from the encoded protein. The variant allele was found at a frequency of 4e-06 in 249762 control chromosomes. c.93_101delATGTTACAA has been reported in the literature in individuals affected with Chronic Pancreatitis, including one patient carrying de novo c.93_101delATGTTACAA (Qian_2017, Zou_2018). These data indicate that the variant is likely to be associated with disease. To our knowledge, no experimental evidence demonstrating an impact on protein function has been reported. No clinical diagnostic laboratories have submitted clinical-significance assessments for this variant to ClinVar after 2014. Based on the evidence outlined above, the variant was classified as likely pathogenic.

Literature cited by the submitters: PubMed 28546060 (cited by Labcorp Genetics (formerly Invitae), Labcorp and Women's Health and Genetics/Laboratory Corporation of America, LabCorp); PubMed 30420730 (cited by Labcorp Genetics (formerly Invitae), Labcorp and Women's Health and Genetics/Laboratory Corporation of America, LabCorp); PubMed 35171259 (cited by Labcorp Genetics (formerly Invitae), Labcorp).